The following is an entry in ClinVar:

NM_014588.6(VSX1):c.*104C>T

Gene: VSX1 (visual system homeobox 1; minus strand). Cytogenetic location: 20p11.21.
Variant type: single nucleotide variant.
Coding change: c.*104C>T on transcript NM_014588.6 (MANE Select); 104 bases downstream of the stop codon, C replaced by T.
Molecular consequence: 3 prime UTR variant. On other transcripts: non-coding transcript variant (2), intron variant (2).
Genome position (GRCh38, 1-based): chr20:25,076,157, G>A on the plus strand (C>T on the coding strand, the complement: VSX1 is on the minus strand). VCF-style: chr20-25076157-G-A. GRCh37 (hg19) VCF-style: chr20-25056793-G-A.
Other names: c.*104C>T (NM_001378633.1); c.627+2672C>T (NM_001256271.2); c.808+1528C>T (NM_001256272.2).
Identifiers: ClinVar variation 898526 (VCV000898526.5), dbSNP rs148709299, ClinGen allele CA313662382.

ClinVar aggregate classification (germline): Benign. Review status: criteria provided, multiple submitters, no conflicts (2 of 4 stars). 2 submissions from 2 submitters: Benign (2). Last evaluated 2018-01-13.

Conditions:
Posterior polymorphous corneal dystrophy. Also called: Polymorphous corneal dystrophy; CORNEAL DYSTROPHY, HEREDITARY POLYMORPHOUS POSTERIOR. Identifiers: Orphanet 98973, MedGen C0339284, MONDO:0020364, HP:0007915.

Allele frequency attached by ClinVar (database versions not stated): gnomAD exomes 0.00038; gnomAD 0.00439 and 0.00467; TOPMed 0.00498; 1000 Genomes Project 30x 0.00515; 1000 Genomes Project 0.00539.
gnomAD v4.1: 1,233 of 1,521,944 alleles (0.081%); highest among the groups gnomAD compares: African/African-American, 1.5%; 16 homozygotes.

Submissions (2):

Illumina Laboratory Services, Illumina
Classification: Benign for Polymorphous corneal dystrophy. Last evaluated: 2018-01-13. Review status: criteria provided, single submitter. Criteria: ICSL Variant Classification Criteria 13 December 2019. Collection method: clinical testing. Allele origin: germline.
Comment: This variant was observed in the ICSL laboratory as part of a predisposition screen in an ostensibly healthy population. It had not been previously curated by ICSL or reported in the Human Gene Mutation Database (HGMD: prior to June 1st, 2018), and was therefore a candidate for classification through an automated scoring system. Utilizing variant allele frequency, disease prevalence and penetrance estimates, and inheritance mode, an automated score was calculated to assess if this variant is too frequent to cause the disease. Based on the score and internal cut-off values, a variant classified as benign is not then subjected to further curation. The score for this variant resulted in a classification of benign for this disease.

Breakthrough Genomics
Classification: Benign. Review status: criteria provided, single submitter. Criteria: ACMG Guidelines, 2015. Collection method: not provided. Allele origin: germline. Inheritance: Autosomal dominant inheritance. Affected: yes.